The following is an entry in ClinVar:

NM_001165963.4(SCN1A):c.2975dup (p.Ser993fs)

Gene: SCN1A (sodium voltage-gated channel alpha subunit 1; minus strand). Cytogenetic location: 2q24.3.
Variant type: Duplication.
Coding change: c.2975dup on transcript NM_001165963.4 (MANE Select); coding-DNA position 2975, one base duplicated (T; older notation c.2975dupT).
Protein change: p.Ser993fs; shifts the reading frame from serine 993.
Molecular consequence: frameshift variant. On other transcripts: non-coding transcript variant (1).
Genome position (GRCh38, 1-based): chr2:166,036,502, A duplicated on the plus strand (T on the coding strand, the reverse complement: SCN1A is on the minus strand). VCF-style (leftmost placement, unchanged base first): chr2-166036501-C-CA. GRCh37 (hg19) VCF-style: chr2-166893011-C-CA.
Other names: c.2891dup, p.Ser965fs (NM_001165964.3, NM_001353957.2, NM_001353958.2); c.2975dup, p.Ser993fs (NM_001202435.3, NM_001353948.2); c.2942dup, p.Ser982fs (NM_001353949.2, NM_001353950.2, NM_001353951.2 and 2 more transcripts); c.2939dup, p.Ser981fs (NM_001353954.2, NM_001353955.2); c.2888dup, p.Ser964fs (NM_001353960.2); c.533dup, p.Ser179fs (NM_001353961.2); short protein forms S982fs, S964fs, S981fs, S965fs, S993fs, S179fs.
Identifiers: ClinVar variation 280695 (VCV000280695.2), dbSNP rs886041852, ClinGen allele CA10602823.
Genomic context (GRCh38, chr2:166,036,501, plus strand): 5'-GAGATTATTCATTTCATTATCATCATCAGTGGCTGCAAGGTTGTCTGCACTAAATGAGCT[C>CA]AGAAGCAAGGCCAGAAAGAGATTCAGGACCTTAAAAACAACAAAAACATGATTATAATTT-3'

ClinVar aggregate classification (germline): Pathogenic (1 of 4 stars; one submission).

Submission:

GeneDx
Classification: Pathogenic. Last evaluated: 2016-07-20. Review status: criteria provided, single submitter. Criteria: GeneDx Variant Classification (06012015). Collection method: clinical testing. Allele origin: germline. Affected: yes.
Comment: The c.2975dupT pathogenic variant in the SCN1A gene causes a frameshift starting with codon Serine 993, changes this amino acid to a Glutamic acid residue and creates a premature Stop codon at position 4 of the new reading frame, denoted p.Ser993GlufsX4. This pathogenic variant is predicted to cause loss of normal protein function either through protein truncation or nonsense-mediated mRNA decay. Although this pathogenic variant has not been previously reported to our knowledge, other frameshift variants have been reported in the Human Gene Mutation Database in association with SCN1A-related disorders (Stenson et al., 2014).